The following is an entry in ClinVar:

NM_031418.4(ANO3):c.464C>T (p.Pro155Leu)

Gene: ANO3 (anoctamin 3; plus strand). Cytogenetic location: 11p14.2.
Variant type: single nucleotide variant.
Coding change: c.464C>T on transcript NM_031418.4 (MANE Select); coding-DNA position 464, C replaced by T.
Protein change: p.Pro155Leu; replaces proline 155 with leucine.
Molecular consequence: missense variant.
Genome position (GRCh38, 1-based): chr11:26,508,135, C>T. VCF-style: chr11-26508135-C-T. GRCh37 (hg19) VCF-style: chr11-26529682-C-T.
Other names: c.647C>T, p.Pro216Leu (NM_001313726.2); c.26C>T, p.Pro9Leu (NM_001313727.2); short protein forms P155L, P216L, P9L.
Identifiers: ClinVar variation 2006965 (VCV002006965.4), dbSNP rs2494849348, ClinGen allele CA379928643.

ClinVar aggregate classification (germline): Uncertain significance (1 of 4 stars; one submission).

Conditions:
Dystonic disorder. Also called: Dystonia. Identifiers: MedGen C0013421, MONDO:0003441, HP:0001332.

Submission:

Labcorp Genetics (formerly Invitae), Labcorp
Classification: Uncertain significance for Dystonic disorder. Last evaluated: 2022-06-15. Review status: criteria provided, single submitter. Criteria: Invitae Variant Classification Sherloc (09022015). Collection method: clinical testing. Allele origin: germline.
Comment: This sequence change replaces proline, which is neutral and non-polar, with leucine, which is neutral and non-polar, at codon 155 of the ANO3 protein (p.Pro155Leu). In summary, the available evidence is currently insufficient to determine the role of this variant in disease. Therefore, it has been classified as a Variant of Uncertain Significance. Advanced modeling of protein sequence and biophysical properties (such as structural, functional, and spatial information, amino acid conservation, physicochemical variation, residue mobility, and thermodynamic stability) performed at Invitae indicates that this missense variant is not expected to disrupt ANO3 protein function. This variant has not been reported in the literature in individuals affected with ANO3-related conditions. This variant is not present in population databases (gnomAD no frequency).